The following is an entry in ClinVar:

NM_000122.2(ERCC3):c.1162C>T (p.Gln388Ter)

Gene: ERCC3 (ERCC excision repair 3, TFIIH core complex helicase subunit; minus strand). Cytogenetic location: 2q14.3.
Variant type: single nucleotide variant.
Coding change: c.1162C>T on transcript NM_000122.2 (MANE Select); coding-DNA position 1162, C replaced by T.
Protein change: p.Gln388Ter; replaces glutamine 388 with a stop codon.
Molecular consequence: nonsense.
Genome position (GRCh38, 1-based): chr2:127,286,883, G>A on the plus strand (C>T on the coding strand, the complement: ERCC3 is on the minus strand). VCF-style: chr2-127286883-G-A. GRCh37 (hg19) VCF-style: chr2-128044459-G-A.
Other names: c.970C>T, p.Gln324Ter (NM_001303416.2, NM_001303418.2); short protein forms Q324*, Q388*.
Identifiers: ClinVar variation 1319556 (VCV001319556.10), dbSNP rs1055129064, ClinGen allele CA348389868.

ClinVar aggregate classification (germline): Pathogenic/Likely pathogenic. Review status: criteria provided, multiple submitters, no conflicts (2 of 4 stars). 3 submissions from 3 submitters: Pathogenic (2); Likely pathogenic (1). Last evaluated 2026-01-05.

Conditions:
Trichothiodystrophy 2, photosensitive (TTD2). Identifiers: Orphanet 33364, MedGen C4225344, MONDO:0014615, OMIM 616390.
Xeroderma pigmentosum group B. Also called: ERCC3-Related Xeroderma Pigmentosum; XP, GROUP B; XPB/CS; XERODERMA PIGMENTOSUM B/COCKAYNE SYNDROME. Identifiers: MedGen C0268136, MONDO:0012531, OMIM 610651.

Allele frequency attached by ClinVar (database versions not stated): gnomAD exomes 0.00001.
gnomAD v4.1: 2 of 1,614,206 alleles (0.00012%); highest among the groups gnomAD compares: Admixed American, 0.0033%; no homozygotes.

Submissions (3):

Labcorp Genetics (formerly Invitae), Labcorp
Classification: Pathogenic. Last evaluated: 2026-01-05. Review status: criteria provided, single submitter. Criteria: Invitae Variant Classification Sherloc (09022015). Collection method: clinical testing. Allele origin: germline.
Comment: This sequence change creates a premature translational stop signal (p.Gln388*) in the ERCC3 gene. It is expected to result in an absent or disrupted protein product. Loss-of-function variants in ERCC3 are known to be pathogenic (PMID: 16947863). This variant is present in population databases (no rsID available, gnomAD 0.006%). This variant has not been reported in the literature in individuals affected with ERCC3-related conditions. ClinVar contains an entry for this variant (Variation ID: 1319556). For these reasons, this variant has been classified as Pathogenic.

Fulgent Genetics
Classification: Likely pathogenic for Xeroderma pigmentosum group B; Trichothiodystrophy 2, photosensitive. Last evaluated: 2022-05-03. Review status: criteria provided, single submitter. Criteria: ACMG Guidelines, 2015. Collection method: clinical testing. Allele origin: unknown.

Revvity Omics, Revvity
Classification: Pathogenic. Last evaluated: 2019-06-21. Review status: criteria provided, single submitter. Criteria: ACMG Guidelines, 2015. Collection method: clinical testing. Allele origin: germline.

Literature cited by the submitters: PubMed 16947863 (cited by Labcorp Genetics (formerly Invitae), Labcorp).